The following is an entry in ClinVar:

ClinVar aggregate classification (germline): Pathogenic (1 of 4 stars; one submission).

Conditions:
Tuberous sclerosis 2 (TSC2). Identifiers: Orphanet 805, MedGen C1860707, MONDO:0013199, OMIM 613254.

Submission:

Labcorp Genetics (formerly Invitae), Labcorp
Classification: Pathogenic for Tuberous sclerosis 2. Last evaluated: 2025-03-19. Review status: criteria provided, single submitter. Criteria: Invitae Variant Classification Sherloc (09022015). Collection method: clinical testing. Allele origin: germline.
Comment: This sequence change creates a premature translational stop signal (p.Leu1317Argfs*7) in the TSC2 gene. It is expected to result in an absent or disrupted protein product. Loss-of-function variants in TSC2 are known to be pathogenic (PMID: 10205261, 17304050). This variant is not present in population databases (gnomAD no frequency). This variant has not been reported in the literature in individuals affected with TSC2-related conditions. For these reasons, this variant has been classified as Pathogenic.

Literature cited by the submitters: PubMed 10205261; PubMed 17304050.

NM_000548.5(TSC2):c.3949_3952del (p.Leu1317fs)

Gene: TSC2 (TSC complex subunit 2; plus strand). Cytogenetic location: 16p13.3.
Variant type: Deletion.
Coding change: c.3949_3952del on transcript NM_000548.5 (MANE Select); coding-DNA positions 3949 to 3952, 4 bases deleted (TTGG; older notation c.3949_3952delTTGG).
Protein change: p.Leu1317fs; shifts the reading frame from leucine 1317.
Molecular consequence: frameshift variant. On other transcripts: non-coding transcript variant (5).
Genome position (GRCh38, 1-based): chr16:2,083,760-2,083,763, TTGG deleted; deleting any 4 consecutive bases within chr16:2,083,758-2,083,763 gives the same sequence; the c. name uses the placement nearest the transcript's 3' end. VCF-style (leftmost placement, unchanged base first): chr16-2083757-GGGTT-G. GRCh37 (hg19) VCF-style: chr16-2133758-GGGTT-G.
Other names: c.2404_2407del, p.Leu802fs (NM_001406695.1, NM_001406696.1, NM_001406697.1); c.2146_2149del, p.Leu716fs (NM_001406698.1); c.3820_3823del, p.Leu1274fs (NM_021055.3, NM_001370405.1); c.3748_3751del, p.Leu1250fs (NM_001077183.3); c.3880_3883del, p.Leu1294fs (NM_001114382.3); c.3640_3643del, p.Leu1214fs (NM_001318827.2); c.3604_3607del, p.Leu1202fs (NM_001318829.2); c.3217_3220del, p.Leu1073fs (NM_001318831.2); and 26 more; short protein forms L1050fs, L1202fs, L1246fs, L1317fs, L1093fs, L1097fs, L1117fs, L1231fs.
Identifiers: ClinVar variation 4714148 (VCV004714148.1).